The following is an entry in ClinVar:

ClinVar aggregate classification (germline): Pathogenic (1 of 4 stars; one submission).

Submission:

Labcorp Genetics (formerly Invitae), Labcorp
Classification: Pathogenic. Last evaluated: 2025-04-19. Review status: criteria provided, single submitter. Criteria: Invitae Variant Classification Sherloc (09022015). Collection method: clinical testing. Allele origin: germline.
Comment: This sequence change creates a premature translational stop signal (p.Gln125*) in the COL2A1 gene. It is expected to result in an absent or disrupted protein product. Loss-of-function variants in COL2A1 are known to be pathogenic (PMID: 20179744). This variant is not present in population databases (gnomAD no frequency). This premature translational stop signal has been observed in individual(s) with autosomal dominant Stickler syndrome (PMID: 37079061). For these reasons, this variant has been classified as Pathogenic.

Literature cited by the submitters: PubMed 20179744; PubMed 37079061.

NM_001844.5(COL2A1):c.373C>T (p.Gln125Ter)

Gene: COL2A1 (collagen type II alpha 1 chain; minus strand). Cytogenetic location: 12q13.11.
Variant type: single nucleotide variant.
Coding change: c.373C>T on transcript NM_001844.5 (MANE Select); coding-DNA position 373, C replaced by T.
Protein change: p.Gln125Ter; replaces glutamine 125 with a stop codon.
Molecular consequence: nonsense.
Genome position (GRCh38, 1-based): chr12:47,998,034, G>A on the plus strand (C>T on the coding strand, the complement: COL2A1 is on the minus strand). VCF-style: chr12-47998034-G-A. GRCh37 (hg19) VCF-style: chr12-48391817-G-A.
Other names: c.166C>T, p.Gln56Ter (NM_033150.3); short protein forms Q125*, Q56*.
Identifiers: ClinVar variation 4710777 (VCV004710777.1).
Genomic context (GRCh38, chr12:47,998,034, plus strand): 5'-ATCAGTAACTTGCGCGCAGCGAGGAAGGGACGGAGAAAGAGATTTCTCCCTCTCTTACCT[G>A]AGGCCCAGGAGGTCCTTTGGGTCCTACAATCTGTGAGAGAGAGCCCCACAGGATGGTAAG-3'